The following is an entry in ClinVar:

NM_004360.5(CDH1):c.1289T>G (p.Val430Gly)

Gene: CDH1 (cadherin 1; plus strand). Cytogenetic location: 16q22.1.
Variant type: single nucleotide variant.
Coding change: c.1289T>G on transcript NM_004360.5 (MANE Select); coding-DNA position 1289, T replaced by G.
Protein change: p.Val430Gly; replaces valine 430 with glycine.
Molecular consequence: missense variant. On other transcripts: 5 prime UTR variant (2), intron variant (1).
Genome position (GRCh38, 1-based): chr16:68,813,464, T>G. VCF-style: chr16-68813464-T-G. GRCh37 (hg19) VCF-style: chr16-68847367-T-G.
Other names: p.V430G:GTG>GGG; c.-327T>G (NM_001317185.2); c.-531T>G (NM_001317186.2); c.1137+1201T>G (NM_001317184.2); c.1289T>G (LRG_301t1); short protein forms V430G.
Identifiers: ClinVar variation 182397 (VCV000182397.31), dbSNP rs730881665, ClinGen allele CA298989.

ClinVar aggregate classification (germline): Conflicting classifications of pathogenicity. Review status: criteria provided, conflicting classifications (1 of 4 stars). 8 submissions from 8 submitters: Uncertain significance (7); Likely benign (1). Last evaluated 2026-01-28.

Conditions:
CDH1-related disorder. Also called: CDH1-related condition.
Hereditary cancer-predisposing syndrome. Also called: Neoplastic Syndromes, Hereditary; Tumor predisposition; Hereditary neoplastic syndrome; Hereditary Cancer Syndrome. Identifiers: Orphanet 140162, MedGen C0027672, MeSH D009386, MONDO:0015356.
Hereditary diffuse gastric adenocarcinoma (HDGC). Also called: DIFFUSE GASTRIC AND LOBULAR BREAST CANCER SYNDROME. Identifiers: Orphanet 26106, MedGen C1708349, MONDO:0007648, OMIM 137215.

Allele frequency attached by ClinVar (database versions not stated): gnomAD exomes 0.00001 and 0.00003; TOPMed 0.00004; ExAC 0.00005; gnomAD 0.00005 and 0.00007.
gnomAD v4.1: 12 of 1,614,056 alleles (0.00074%); highest among the groups gnomAD compares: African/African-American, 0.016%; no homozygotes.

Submissions (8):

Labcorp Genetics (formerly Invitae), Labcorp
Classification: Uncertain significance for Hereditary diffuse gastric adenocarcinoma. Last evaluated: 2026-01-28. Review status: criteria provided, single submitter. Criteria: Invitae Variant Classification Sherloc (09022015). Collection method: clinical testing. Allele origin: germline.
Comment: This sequence change replaces valine, which is neutral and non-polar, with glycine, which is neutral and non-polar, at codon 430 of the CDH1 protein (p.Val430Gly). This variant is present in population databases (rs730881665, gnomAD 0.04%). This missense change has been observed in individual(s) with breast cancer (PMID: 31465090). ClinVar contains an entry for this variant (Variation ID: 182397). An algorithm developed to predict the effect of missense changes on protein structure and function (PolyPhen-2) suggests that this variant is likely to be tolerated. In summary, the available evidence is currently insufficient to determine the role of this variant in disease. Therefore, it has been classified as a Variant of Uncertain Significance.

PreventionGenetics, part of Exact Sciences
Classification: Uncertain significance for CDH1-related condition. Last evaluated: 2025-11-18. Review status: criteria provided, single submitter. Criteria: ACMG Guidelines, 2015. Collection method: clinical testing. Allele origin: germline.
Comment: The CDH1 c.1289T>G variant is predicted to result in the amino acid substitution p.Val430Gly. This variant was reported in an individual with breast cancer (Stuttgen et al 2019. PubMed ID: 31465090). This variant is reported in 0.036% of alleles in individuals of African descent in gnomAD and has conflicting interpretations in ClinVar ranging from uncertain to likely benign (Variation ID: 182397). At this time, the clinical significance of this variant is uncertain due to the absence of conclusive functional and genetic evidence.

Color Diagnostics, LLC DBA Color Health
Classification: Uncertain significance for Hereditary cancer-predisposing syndrome. Last evaluated: 2024-10-21. Review status: criteria provided, single submitter. Criteria: ACMG Guidelines, 2015. Collection method: clinical testing. Allele origin: germline.
Comment: This missense variant replaces valine with glycine at codon 430 of the CDH1 protein. To our knowledge, functional studies have not been reported for this variant. This variant has been reported in at least one individual affected with breast cancer (PMID: 31465090). This variant has been identified in 9/282886 chromosomes in the general population by the Genome Aggregation Database (gnomAD). The available evidence is insufficient to determine the role of this variant in disease conclusively. Therefore, this variant is classified as a Variant of Uncertain Significance.

Quest Diagnostics Nichols Institute San Juan Capistrano
Classification: Uncertain significance. Last evaluated: 2023-12-01. Review status: criteria provided, single submitter. Criteria: Quest Diagnostics criteria. Collection method: clinical testing. Allele origin: unknown.

GeneDx
Classification: Uncertain significance. Last evaluated: 2022-10-25. Review status: criteria provided, single submitter. Criteria: GeneDx Variant Classification Process June 2021. Collection method: clinical testing. Allele origin: germline. Affected: yes.
Comment: In silico analysis supports that this missense variant does not alter protein structure/function; Observed in an individual with breast cancer (Stuttgen et al., 2019); This variant is associated with the following publications: (PMID: 15235021, 22850631, 31465090)

Ambry Genetics
Classification: Likely benign for Hereditary cancer-predisposing syndrome. Last evaluated: 2021-11-18. Review status: criteria provided, single submitter. Criteria: Ambry Variant Classification Scheme 2023. Collection method: clinical testing. Allele origin: germline.

ARUP Laboratories, Molecular Genetics and Genomics, ARUP Laboratories
Classification: Uncertain significance. Last evaluated: 2019-10-13. Review status: criteria provided, single submitter. Criteria: ARUP Molecular Germline Variant Investigation Process. Collection method: clinical testing. Allele origin: germline.
Comment: The CDH1 c.1289T>G; p.Val430Gly variant (rs730881665), to our knowledge, is not reported in the medical literature but is reported in ClinVar (Variation ID: 182397). This variant is found in the general population with an overall allele frequency of 0.003% (9/282886 alleles) in the Genome Aggregation Database. The valine at codon 430 is weakly conserved, and computational analyses (SIFT, PolyPhen-2) predict that this variant is tolerated. However, given the lack of clinical and functional data, the significance of the p.Val430Gly variant is uncertain at this time.

Women's Health and Genetics/Laboratory Corporation of America, LabCorp
Classification: Uncertain significance. Last evaluated: 2019-04-04. Review status: criteria provided, single submitter. Criteria: LabCorp Variant Classification Summary - May 2015. Collection method: clinical testing. Allele origin: germline.
Comment: Variant summary: CDH1 c.1289T>G (p.Val430Gly) results in a non-conservative amino acid change located in the Cadherin-like (IPR002126) of the encoded protein sequence. Four of five in-silico tools predict a benign effect of the variant on protein function. The variant allele was found at a frequency of 3.2e-05 in 277232 control chromosomes (gnomad). The available data on variant occurrences in the general population are insufficient to allow any conclusion about variant significance. To our knowledge, no occurrence of c.1289T>G in individuals affected with Hereditary Diffuse Gastric Cancer and no experimental evidence demonstrating its impact on protein function have been reported. Three clinical diagnostic laboratories have submitted clinical-significance assessments for this variant to ClinVar after 2014 without evidence for independent evaluation. All laboratories classified the variant as uncertain significance. Based on the evidence outlined above, the variant was classified as uncertain significance.

Literature cited by the submitters: PubMed 31465090 (cited by 4 submitters).